The following is an entry in ClinVar:

ClinVar aggregate classification (germline): Uncertain significance (1 of 4 stars; one submission).

gnomAD v4.1: 1 of 1,612,924 alleles (0.000062%); highest among the groups gnomAD compares: African/African-American, 0.0013%; no homozygotes.

Submission:

Labcorp Genetics (formerly Invitae), Labcorp
Classification: Uncertain significance. Last evaluated: 2024-10-16. Review status: criteria provided, single submitter. Criteria: Invitae Variant Classification Sherloc (09022015). Collection method: clinical testing. Allele origin: germline.
Comment: This sequence change replaces glutamine, which is neutral and polar, with histidine, which is basic and polar, at codon 623 of the SON protein (p.Gln623His). This variant is not present in population databases (gnomAD no frequency). This variant has not been reported in the literature in individuals affected with SON-related conditions. An algorithm developed to predict the effect of missense changes on protein structure and function (PolyPhen-2) suggests that this variant is likely to be disruptive. In summary, the available evidence is currently insufficient to determine the role of this variant in disease. Therefore, it has been classified as a Variant of Uncertain Significance.

NM_138927.4(SON):c.1869G>T (p.Gln623His)

Gene: SON (SON DNA and RNA binding protein; plus strand). Cytogenetic location: 21q22.11.
Variant type: single nucleotide variant.
Coding change: c.1869G>T on transcript NM_138927.4 (MANE Select); coding-DNA position 1869, G replaced by T.
Protein change: p.Gln623His; replaces glutamine 623 with histidine.
Molecular consequence: missense variant. On other transcripts: non-coding transcript variant (1), intron variant (1).
Genome position (GRCh38, 1-based): chr21:33,551,100, G>T. VCF-style: chr21-33551100-G-T. GRCh37 (hg19) VCF-style: chr21-34923406-G-T.
Other names: c.1869G>T, p.Gln623His (NM_001291411.2, NM_001412133.1, NM_032195.3 and 2 more transcripts); c.244+4721G>T (NM_001291412.3); short protein forms Q623H.
Identifiers: ClinVar variation 2743785 (VCV002743785.3), dbSNP rs201192198, ClinGen allele CA410155636.